The following is an entry in ClinVar:

ClinVar aggregate classification (germline): Uncertain significance (1 of 4 stars; one submission).

gnomAD v4.1: 14 of 1,613,862 alleles (0.00087%); highest among the groups gnomAD compares: Non-Finnish European, 0.0012%; no homozygotes.

Submission:

GeneDx
Classification: Uncertain significance. Last evaluated: 2024-09-26. Review status: criteria provided, single submitter. Criteria: GeneDx Variant Classification Process June 2021. Collection method: clinical testing. Allele origin: germline. Affected: yes.
Comment: In silico analysis supports that this missense variant has a deleterious effect on protein structure/function; Has not been previously published as pathogenic or benign to our knowledge; Variants in candidate genes are classified as variants of uncertain significance in accordance with ACMG guidelines (PMID: 25741868)

NM_024721.5(ZFHX4):c.1109A>G (p.Glu370Gly)

Gene: ZFHX4 (zinc finger homeobox 4; plus strand). Cytogenetic location: 8q21.13.
Variant type: single nucleotide variant.
Coding change: c.1109A>G on transcript NM_024721.5 (MANE Select); coding-DNA position 1109, A replaced by G.
Protein change: p.Glu370Gly; replaces glutamic acid 370 with glycine.
Molecular consequence: missense variant.
Genome position (GRCh38, 1-based): chr8:76,705,197, A>G. VCF-style: chr8-76705197-A-G. GRCh37 (hg19) VCF-style: chr8-77617432-A-G.
Other names: c.1109A>G, p.Glu370Gly (NM_001410934.1); short protein forms E370G.
Identifiers: ClinVar variation 3900241 (VCV003900241.1).